The following is an entry in ClinVar:

ClinVar aggregate classification (germline): Conflicting classifications of pathogenicity. Review status: criteria provided, conflicting classifications (1 of 4 stars). 9 submissions from 9 submitters: Uncertain significance (2); Benign (2); Likely benign (2). 3 of the submissions do not count toward it. Last evaluated 2026-09-01.

Conditions:
Aicardi-Goutieres syndrome 6 (AGS6). Identifiers: Orphanet 51, MedGen C3539013, MONDO:0014007, OMIM 615010.
Symmetrical dyschromatosis of extremities (DSH). Also called: DYSCHROMATOSIS SYMMETRICA HEREDITARIA 1; Dyschromatosis symmetrica hereditaria; RETICULATE ACROPIGMENTATION OF DOHI; SYMMETRIC DYSCHROMATOSIS OF THE EXTREMITIES. Identifiers: Orphanet 41, MedGen C0406775, MONDO:0007483, OMIM 127400.

Allele frequency attached by ClinVar (database versions not stated): TOPMed 0.00051; ExAC 0.00053; gnomAD 0.00061 and 0.00063; ESP Exome Variant Server 0.00062; gnomAD exomes 0.00066; 1000 Genomes Project 30x 0.00078; 1000 Genomes Project 0.00080.
gnomAD v4.1: 1,393 of 1,613,700 alleles (0.086%); highest among the groups gnomAD compares: Non-Finnish European, 0.11%; no homozygotes.

Submissions (9):

CeGaT Center for Human Genetics Tuebingen
Classification: Likely benign. Last evaluated: 2026-09-01. Review status: criteria provided, single submitter. Criteria: CeGaT Center For Human Genetics Tuebingen Variant Classification Criteria Version 2. Collection method: clinical testing. Allele origin: germline. Affected: yes. Observed: 7 variant alleles.
Comment: ADAR: BP4, BP7

Women's Health and Genetics/Laboratory Corporation of America, LabCorp
Classification: Uncertain significance. Last evaluated: 2026-02-16. Review status: criteria provided, single submitter. Criteria: LabCorp Variant Classification Summary - May 2015. Collection method: clinical testing. Allele origin: germline.
Comment: Variant summary: ADAR c.3018C>T (p.Asn1006Asn) alters a conserved nucleotide located close to a canonical splice site and therefore could affect mRNA splicing, leading to a significantly altered protein sequence. Consensus agreement among computation tools predict no significant impact on normal splicing. However, these predictions have yet to be confirmed by functional studies. The variant allele was found at a frequency of 0.00066 in 251396 control chromosomes. This frequency is not significantly higher than estimated for disease-causing variants in ADAR, allowing no conclusion about variant significance. To our knowledge, no occurrence of c.3018C>T in individuals affected with ADAR-related conditions and no experimental evidence demonstrating its impact on protein function have been reported. ClinVar contains an entry for this variant (Variation ID: 292762). Based on the evidence outlined above, the variant was classified as uncertain significance.

Labcorp Genetics (formerly Invitae), Labcorp
Classification: Uncertain significance for Aicardi-Goutieres syndrome 6; Symmetrical dyschromatosis of extremities. Last evaluated: 2026-01-28. Review status: criteria provided, single submitter. Criteria: Invitae Variant Classification Sherloc (09022015). Collection method: clinical testing. Allele origin: germline.
Comment: This sequence change affects codon 1006 of the ADAR mRNA. It is a 'silent' change, meaning that it does not change the encoded amino acid sequence of the ADAR protein. It affects a nucleotide within the consensus splice site. This variant is present in population databases (rs151241634, gnomAD 0.1%), and has an allele count higher than expected for a pathogenic variant. This variant has not been reported in the literature in individuals affected with ADAR-related conditions. ClinVar contains an entry for this variant (Variation ID: 292762). Algorithms developed to predict the effect of sequence changes on RNA splicing suggest that this variant is not likely to affect RNA splicing. In summary, the available evidence is currently insufficient to determine the role of this variant in disease. Therefore, it has been classified as a Variant of Uncertain Significance.

Laboratory of Genetics, Children's Clinical University Hospital Latvia
Classification: Benign. Last evaluated: 2025-02-16. Review status: criteria provided, single submitter. Criteria: ACMG Guidelines, 2015. Collection method: clinical testing. Allele origin: germline. Affected: yes.

Blueprint Genetics
Classification: Likely benign. Last evaluated: 2024-11-18. Review status: criteria provided, single submitter. Criteria: ACMG Guidelines, 2015. Collection method: clinical testing. Allele origin: germline.

Illumina Laboratory Services, Illumina
Classification: Benign for Symmetrical dyschromatosis of extremities. Last evaluated: 2018-01-13. Review status: criteria provided, single submitter. Criteria: ICSL Variant Classification Criteria 13 December 2019. Collection method: clinical testing. Allele origin: germline.
Comment: This variant was observed in the ICSL laboratory as part of a predisposition screen in an ostensibly healthy population. It had not been previously curated by ICSL or reported in the Human Gene Mutation Database (HGMD: prior to June 1st, 2018), and was therefore a candidate for classification through an automated scoring system. Utilizing variant allele frequency, disease prevalence and penetrance estimates, and inheritance mode, an automated score was calculated to assess if this variant is too frequent to cause the disease. Based on the score and internal cut-off values, a variant classified as benign is not then subjected to further curation. The score for this variant resulted in a classification of benign for this disease.

Clinical Genetics DNA and cytogenetics Diagnostics Lab, Erasmus MC, Erasmus Medical Center
Classification: Likely benign. Review status: no assertion criteria provided. Collection method: clinical testing. Allele origin: germline. Affected: yes. Study: VKGL Data-share Consensus. Not counted in ClinVar's aggregate classification.

Diagnostic Laboratory, Department of Genetics, University Medical Center Groningen
Classification: Likely benign. Review status: no assertion criteria provided. Collection method: clinical testing. Allele origin: germline. Affected: yes. Study: VKGL Data-share Consensus. Not counted in ClinVar's aggregate classification.

Genome Diagnostics Laboratory, University Medical Center Utrecht
Classification: Likely benign. Review status: no assertion criteria provided. Collection method: clinical testing. Allele origin: germline. Affected: yes. Study: VKGL Data-share Consensus. Not counted in ClinVar's aggregate classification.

NM_001111.5(ADAR):c.3018C>T (p.Asn1006=)

Gene: ADAR (adenosine deaminase RNA specific; minus strand). Cytogenetic location: 1q21.3.
Variant type: single nucleotide variant.
Coding change: c.3018C>T on transcript NM_001111.5 (MANE Select); coding-DNA position 3018, C replaced by T.
Protein change: p.Asn1006=; no amino-acid change (asparagine 1006 retained).
Molecular consequence: synonymous variant.
Genome position (GRCh38, 1-based): chr1:154,588,126, G>A on the plus strand (C>T on the coding strand, the complement: ADAR is on the minus strand). VCF-style: chr1-154588126-G-A. GRCh37 (hg19) VCF-style: chr1-154560602-G-A.
Other names: c.2133C>T, p.Asn711= (NM_001025107.3, NM_001193495.2, NM_001365046.1 and 2 more transcripts); c.3045C>T, p.Asn1015= (NM_001365045.1); c.2055C>T, p.Asn685= (NM_001365049.1); c.2940C>T, p.Asn980= (NM_015840.4); c.2883C>T, p.Asn961= (NM_015841.4); c.3018C>T, p.Asn1006= (LRG_1212t1).
Identifiers: ClinVar variation 292762 (VCV000292762.45), dbSNP rs151241634, ClinGen allele CA1131085.